The following is an entry in ClinVar:

ClinVar aggregate classification (germline): Uncertain significance. Review status: criteria provided, multiple submitters, no conflicts (2 of 4 stars). 2 submissions from 2 submitters: Uncertain significance (2). Last evaluated 2025-04-10.

Allele frequency attached by ClinVar (database versions not stated): TOPMed below 0.00001; gnomAD 0.00001.
gnomAD v4.1: 5 of 1,563,406 alleles (0.00032%); highest among the groups gnomAD compares: African/African-American, 0.0067%; no homozygotes.

Submissions (2):

Ambry Genetics
Classification: Uncertain significance. Last evaluated: 2025-04-10. Review status: criteria provided, single submitter. Criteria: Ambry Variant Classification Scheme 2023. Collection method: clinical testing. Allele origin: germline.
Comment: The p.I105F variant (also known as c.313A>T), located in coding exon 1 of the GALNT12 gene, results from an A to T substitution at nucleotide position 313. The isoleucine at codon 105 is replaced by phenylalanine, an amino acid with highly similar properties. This amino acid position is conserved. In addition, this alteration is predicted to be tolerated by in silico analysis. Since supporting evidence is limited at this time, the clinical significance of this alteration remains unclear.

Quest Diagnostics Nichols Institute San Juan Capistrano
Classification: Uncertain significance. Last evaluated: 2024-01-11. Review status: criteria provided, single submitter. Criteria: Quest Diagnostics criteria. Collection method: clinical testing. Allele origin: unknown.
Comment: The GALNT12 c.313A>T (p.Ile105Phe) variant has not been reported in individuals with GALNT12-related conditions in the published literature. The frequency of this variant in the general population, 0.0000066 (1/151868 chromosomes (Genome Aggregation Database)), is uninformative in the assessment of its pathogenicity. Analysis of this variant using bioinformatics tools for the prediction of the effect of amino acid changes on protein structure and function yielded conflicting predictions that this variant is deleterious or benign. Based on the available information, we are unable to determine the clinical significance of this variant.

NM_024642.5(GALNT12):c.313A>T (p.Ile105Phe)

Gene: GALNT12 (polypeptide N-acetylgalactosaminyltransferase 12; plus strand). Cytogenetic location: 9q22.33.
Variant type: single nucleotide variant.
Coding change: c.313A>T on transcript NM_024642.5 (MANE Select); coding-DNA position 313, A replaced by T.
Protein change: p.Ile105Phe; replaces isoleucine 105 with phenylalanine.
Molecular consequence: missense variant.
Genome position (GRCh38, 1-based): chr9:98,808,011, A>T. VCF-style: chr9-98808011-A-T. GRCh37 (hg19) VCF-style: chr9-101570293-A-T.
Other names: short protein forms I105F.
Identifiers: ClinVar variation 1728061 (VCV001728061.4), dbSNP rs768714862, ClinGen allele CA374222892.
Genomic context (GRCh38, chr9:98,808,011, plus strand): 5'-CAGCTGCAGGGCGAGGAGCTGCGGCTGCAGGAGGAGAGCGTGCGGCTGCACCAGATTAAC[A>T]TCTACCTCAGCGACCGCATCTCACTGCACCGCCGCCTGCCCGAGCGCTGGAACCCGCTGT-3'
Protein context (NP_078918.3, residues 95-115): EESVRLHQIN[Ile105Phe]YLSDRISLHR